The following is an entry in ClinVar:

NM_013254.4(TBK1):c.34T>G (p.Ser12Ala)

Gene: TBK1 (TANK binding kinase 1; plus strand). Cytogenetic location: 12q14.2.
Variant type: single nucleotide variant.
Coding change: c.34T>G on transcript NM_013254.4 (MANE Select); coding-DNA position 34, T replaced by G.
Protein change: p.Ser12Ala; replaces serine 12 with alanine.
Molecular consequence: missense variant.
Genome position (GRCh38, 1-based): chr12:64,455,904, T>G. VCF-style: chr12-64455904-T-G. GRCh37 (hg19) VCF-style: chr12-64849684-T-G.
Other names: short protein forms S12A.
Identifiers: ClinVar variation 4717146 (VCV004717146.1).

ClinVar aggregate classification (germline): Uncertain significance (1 of 4 stars; one submission).

Conditions:
Frontotemporal dementia and/or amyotrophic lateral sclerosis 4. Also called: FTDALS4. Identifiers: Orphanet 275872, MedGen C4225325, MONDO:0014641, OMIM 616439.

gnomAD v4.1: 8 of 1,614,040 alleles (0.0005%); highest among the groups gnomAD compares: East Asian, 0.011%; no homozygotes.

Submission:

Labcorp Genetics (formerly Invitae), Labcorp
Classification: Uncertain significance for Frontotemporal dementia and/or amyotrophic lateral sclerosis 4. Last evaluated: 2025-12-15. Review status: criteria provided, single submitter. Criteria: Invitae Variant Classification Sherloc (09022015). Collection method: clinical testing. Allele origin: germline.
Comment: This sequence change replaces serine, which is neutral and polar, with alanine, which is neutral and non-polar, at codon 12 of the TBK1 protein (p.Ser12Ala). This variant is present in population databases (rs199822589, gnomAD 0.02%). This missense change has been observed in individual(s) with amyotrophic lateral sclerosis (PMID: 29149916, 32893041). Invitae Evidence Modeling of protein sequence and biophysical properties (such as structural, functional, and spatial information, amino acid conservation, physicochemical variation, residue mobility, and thermodynamic stability) indicates that this missense variant is not expected to disrupt TBK1 protein function with a negative predictive value of 95%. In summary, the available evidence is currently insufficient to determine the role of this variant in disease. Therefore, it has been classified as a Variant of Uncertain Significance.

Literature cited by the submitters: PubMed 29149916; PubMed 32893041.